The following is an entry in ClinVar:

ClinVar aggregate classification (germline): Likely benign (1 of 4 stars; one submission).

gnomAD v4.1: 4 of 1,209,556 alleles (0.00033%); highest among the groups gnomAD compares: African/African-American, 0.007%; no homozygotes.

Submission:

CeGaT Center for Human Genetics Tuebingen
Classification: Likely benign. Last evaluated: 2025-05-01. Review status: criteria provided, single submitter. Criteria: CeGaT Center For Human Genetics Tuebingen Variant Classification Criteria Version 2. Collection method: clinical testing. Allele origin: germline. Affected: yes. Observed: 1 variant allele.
Comment: MAGEA8: BP4

NM_005364.5(MAGEA8):c.362G>T (p.Arg121Leu)

Genes: MAGEA8 (MAGE family member A8; plus strand), MAGEA8-AS1 (MAGEA8 antisense RNA 1; minus strand). Cytogenetic location: Xq28.
Variant type: single nucleotide variant.
Coding change: c.362G>T on transcript NM_005364.5 (MANE Select); coding-DNA position 362, G replaced by T.
Protein change: p.Arg121Leu; replaces arginine 121 with leucine.
Molecular consequence: missense variant.
Genome position (GRCh38, 1-based): chrX:149,884,634, G>T. VCF-style: chrX-149884634-G-T. GRCh37 (hg19) VCF-style: chrX-149013408-G-T.
Other names: c.362G>T, p.Arg121Leu (NM_001166400.2, NM_001166401.2); short protein forms R121L.
Identifiers: ClinVar variation 3905889 (VCV003905889.10).
Genomic context (GRCh38, chrX:149,884,634, plus strand): 5'-CAGCTCACCTGGAGTCCCTGTTCCGGGAAGCACTTGATGAGAAAGTGGCTGAGTTAGTTC[G>T]TTTCCTGCTCCGCAAATATCAAATTAAGGAGCCGGTCACAAAGGCAGAAATGCTTGAGAG-3'
Protein context (NP_005355.2, residues 111-131): ALDEKVAELV[Arg121Leu]FLLRKYQIKE